The following is an entry in ClinVar:

ClinVar aggregate classification (germline): Benign/Likely benign. Review status: criteria provided, multiple submitters, no conflicts (2 of 4 stars). 13 submissions from 12 submitters: Benign (9); Likely benign (2). 2 of the submissions do not count toward it. Last evaluated 2026-09-01.

Conditions:
Autosomal dominant cerebellar ataxia. Also called: Spinocerebellar Ataxia, Dominant. Identifiers: Orphanet 99, MedGen C4087347, MONDO:0020380.
Inborn genetic diseases. Identifiers: MedGen C0950123, MeSH D030342.
Charcot-Marie-Tooth disease axonal type 2O. Also called: Charcot-Marie-Tooth Neuropathy Type 2O; Charcot-Marie-Tooth disease, axonal, type 20; CHARCOT-MARIE-TOOTH NEUROPATHY, AXONAL, TYPE 2O; CHARCOT-MARIE-TOOTH DISEASE, AXONAL, AUTOSOMAL DOMINANT, TYPE 2O. Identifiers: Orphanet 284232, MedGen C3280220, MONDO:0013644, OMIM 614228.

Allele frequency attached by ClinVar (database versions not stated): gnomAD exomes 0.00043 and 0.00102; ExAC 0.00128; gnomAD 0.00354 and 0.00381; TOPMed 0.00390; ESP Exome Variant Server 0.00408; 1000 Genomes Project 0.00539; 1000 Genomes Project 30x 0.00547.
gnomAD v4.1: 1,200 of 1,614,180 alleles (0.074%); highest among the groups gnomAD compares: African/African-American, 1.2%; 7 homozygotes.

Submissions (13):

CeGaT Center for Human Genetics Tuebingen
Classification: Likely benign. Last evaluated: 2026-09-01. Review status: criteria provided, single submitter. Criteria: CeGaT Center For Human Genetics Tuebingen Variant Classification Criteria Version 2. Collection method: clinical testing. Allele origin: germline. Affected: yes. Observed: 9 variant alleles.
Comment: DYNC1H1: BP4, BS1

Labcorp Genetics (formerly Invitae), Labcorp
Classification: Benign for Charcot-Marie-Tooth disease axonal type 2O. Last evaluated: 2026-02-03. Review status: criteria provided, single submitter. Criteria: Invitae Variant Classification Sherloc (09022015). Collection method: clinical testing. Allele origin: germline.

Blueprint Genetics
Classification: Likely benign. Last evaluated: 2024-11-27. Review status: criteria provided, single submitter. Criteria: ACMG Guidelines, 2015. Collection method: clinical testing. Allele origin: germline.

Mayo Clinic Laboratories, Mayo Clinic
Classification: Benign. Last evaluated: 2023-11-01. Review status: criteria provided, single submitter. Criteria: ACMG Guidelines, 2015. Collection method: clinical testing. Allele origin: germline. Observed: 6 variant alleles.

Genetic Services Laboratory, University of Chicago
Classification: Benign. Last evaluated: 2019-06-06. Review status: criteria provided, single submitter. Criteria: ACMG Guidelines, 2015. Collection method: clinical testing. Allele origin: germline. Affected: no.

Athena Diagnostics
Classification: Benign. Last evaluated: 2018-09-25. Review status: criteria provided, single submitter. Criteria: Athena Diagnostics Criteria. Collection method: clinical testing. Allele origin: germline.

Illumina Laboratory Services, Illumina
Classification: Benign for Spinocerebellar Ataxia, Dominant. Last evaluated: 2018-01-13. Review status: criteria provided, single submitter. Criteria: ICSL Variant Classification Criteria 13 December 2019. Collection method: clinical testing. Allele origin: germline.
Comment: This variant was observed in the ICSL laboratory as part of a predisposition screen in an ostensibly healthy population. It had not been previously curated by ICSL or reported in the Human Gene Mutation Database (HGMD: prior to June 1st, 2018), and was therefore a candidate for classification through an automated scoring system. Utilizing variant allele frequency, disease prevalence and penetrance estimates, and inheritance mode, an automated score was calculated to assess if this variant is too frequent to cause the disease. Based on the score and internal cut-off values, a variant classified as benign is not then subjected to further curation. The score for this variant resulted in a classification of benign for this disease.

Illumina Laboratory Services, Illumina
Classification: Benign for Charcot-Marie-Tooth disease axonal type 2O. Last evaluated: 2018-01-13. Review status: criteria provided, single submitter. Criteria: ICSL Variant Classification Criteria 13 December 2019. Collection method: clinical testing. Allele origin: germline.
Comment: the same text as in the submission from Illumina Laboratory Services, Illumina above.

Ambry Genetics
Classification: Benign for Inborn genetic diseases. Last evaluated: 2016-07-26. Review status: criteria provided, single submitter. Criteria: Ambry Variant Classification Scheme 2023. Collection method: clinical testing. Allele origin: germline.

GeneDx
Classification: Benign. Last evaluated: 2016-03-28. Review status: criteria provided, single submitter. Criteria: GeneDx Variant Classification (06012015). Collection method: clinical testing. Allele origin: germline. Affected: yes.
Comment: This variant is considered likely benign or benign based on one or more of the following criteria: it is a conservative change, it occurs at a poorly conserved position in the protein, it is predicted to be benign by multiple in silico algorithms, and/or has population frequency not consistent with disease.

Breakthrough Genomics
Classification: Benign. Review status: criteria provided, single submitter. Criteria: ACMG Guidelines, 2015. Collection method: not provided. Allele origin: germline. Inheritance: Autosomal dominant inheritance. Affected: yes.

Clinical Genetics DNA and cytogenetics Diagnostics Lab, Erasmus MC, Erasmus Medical Center
Classification: Likely benign. Review status: no assertion criteria provided. Collection method: clinical testing. Allele origin: germline. Affected: yes. Study: VKGL Data-share Consensus. Not counted in ClinVar's aggregate classification.

Clinical Genetics, Academic Medical Center
Classification: Benign. Review status: no assertion criteria provided. Collection method: clinical testing. Allele origin: germline. Affected: yes. Study: VKGL Data-share Consensus. Not counted in ClinVar's aggregate classification.

NM_001376.5(DYNC1H1):c.4854T>C (p.Tyr1618=)

Gene: DYNC1H1 (dynein cytoplasmic 1 heavy chain 1; plus strand). Cytogenetic location: 14q32.31.
Variant type: single nucleotide variant.
Coding change: c.4854T>C on transcript NM_001376.5 (MANE Select); coding-DNA position 4854, T replaced by C.
Protein change: p.Tyr1618=; no amino-acid change (tyrosine 1618 retained).
Molecular consequence: synonymous variant.
Genome position (GRCh38, 1-based): chr14:102,002,936, T>C. VCF-style: chr14-102002936-T-C. GRCh37 (hg19) VCF-style: chr14-102469273-T-C.
Other names: p.Tyr1618=.
Identifiers: ClinVar variation 312628 (VCV000312628.55), dbSNP rs75094258, ClinGen allele CA7352313.